The following is an entry in ClinVar:

ClinVar aggregate classification (germline): Conflicting classifications of pathogenicity. Review status: criteria provided, conflicting classifications (1 of 4 stars). 8 submissions from 7 submitters: Uncertain significance (6); Benign (1); Likely benign (1). Last evaluated 2026-09-21.

Conditions:
WFS1-Related Spectrum Disorders.
WFS1-related disorder. Identifiers: MedGen CN379391, MONDO:0700293.
Autosomal dominant nonsyndromic hearing loss 6 (LFSNHL). Also called: Autosomal dominant nonsyndromic deafness 6; DEAFNESS, AUTOSOMAL DOMINANT 6; DEAFNESS, AUTOSOMAL DOMINANT 14; DEAFNESS, AUTOSOMAL DOMINANT 38. Identifiers: Orphanet 90635, MedGen C1833021, MONDO:0010963, OMIM 600965.
Type 2 diabetes mellitus. Also called: Type II diabetes mellitus. Identifiers: MedGen C0011860, MeSH D003924, MONDO:0005148, OMIM 125853, HP:0005978.
Wolfram-like syndrome. Also called: HEARING LOSS, PROGRESSIVE, WITH OPTIC ATROPHY AND/OR IMPAIRED GLUCOSE REGULATION. Identifiers: Orphanet 411590, MedGen C3280358, MONDO:0013673, OMIM 614296.
Cataract 41 (CTRCT41). Also called: CATARACT 41, CONGENITAL NUCLEAR TYPE. Identifiers: Orphanet 91492, Orphanet 98991, Orphanet 98992, Orphanet 98995, MedGen C3805412, MONDO:0007287, OMIM 116400.
Wolfram syndrome 1 (WFS1). Identifiers: Orphanet 3463, MedGen C4551693, MONDO:0009101, OMIM 222300.

Allele frequency attached by ClinVar (database versions not stated): TOPMed 0.00003; gnomAD 0.00004 and 0.00005; ExAC 0.00007; 1000 Genomes Project 30x 0.00047; 1000 Genomes Project 0.00060.
gnomAD v4.1: 102 of 1,611,254 alleles (0.0063%); highest among the groups gnomAD compares: East Asian, 0.036%; no homozygotes.

Submissions (8):

PreventionGenetics, part of Exact Sciences
Classification: Uncertain significance for WFS1-related condition. Last evaluated: 2026-09-21. Review status: criteria provided, single submitter. Criteria: ACMG Guidelines, 2015. Collection method: clinical testing. Allele origin: germline.
Comment: The WFS1 c.1507G>A variant is predicted to result in the amino acid substitution p.Val503Ile. This variant was reported in an individual with diabetes type 2 (Li et al. 2023. PubMed ID: 37277527). This variant is reported in 0.020% of alleles in individuals of East Asian descent in gnomAD. At this time, the clinical significance of this variant is uncertain due to the absence of conclusive functional and genetic evidence.

Labcorp Genetics (formerly Invitae), Labcorp
Classification: Likely benign. Last evaluated: 2025-09-20. Review status: criteria provided, single submitter. Criteria: Invitae Variant Classification Sherloc (09022015). Collection method: clinical testing. Allele origin: germline.

GeneDx
Classification: Uncertain significance. Last evaluated: 2025-06-27. Review status: criteria provided, single submitter. Criteria: GeneDx Variant Classification Process June 2021. Collection method: clinical testing. Allele origin: germline. Affected: yes.
Comment: Identified in an individual with early onset type 2 diabetes, a second variant in WFS1 was not identified (PMID: 37277527); In silico analysis suggests that this missense variant does not alter protein structure/function; This variant is associated with the following publications: (PMID: 37277527)

Blueprint Genetics
Classification: Uncertain significance. Last evaluated: 2024-10-23. Review status: criteria provided, single submitter. Criteria: ACMG Guidelines, 2015. Collection method: clinical testing. Allele origin: germline.

Fulgent Genetics
Classification: Uncertain significance for Cataract 41; Type 2 diabetes mellitus; Wolfram syndrome 1; Autosomal dominant nonsyndromic hearing loss 6; Wolfram-like syndrome. Last evaluated: 2024-06-24. Review status: criteria provided, single submitter. Criteria: ACMG Guidelines, 2015. Collection method: clinical testing. Allele origin: germline.

Illumina Laboratory Services, Illumina
Classification: Uncertain significance for WFS1-Related Spectrum Disorders. Last evaluated: 2017-04-28. Review status: criteria provided, single submitter. Criteria: ICSL Variant Classification Criteria 13 December 2019. Collection method: clinical testing. Allele origin: germline.

Illumina Laboratory Services, Illumina
Classification: Uncertain significance for Autosomal dominant nonsyndromic hearing loss 6. Last evaluated: 2017-04-28. Review status: criteria provided, single submitter. Criteria: ICSL Variant Classification Criteria 13 December 2019. Collection method: clinical testing. Allele origin: germline.

Clinical Genomics, Uppaluri K&H Personalized Medicine Clinic
Classification: Benign for Wolfram syndrome 1. Review status: criteria provided, single submitter. Criteria: K & H Uppaluri Personalized Medicine Clinic Variant Classification & Assertion Criteria_Updated V.1. Collection method: research. Allele origin: unknown. Inheritance: Autosomal recessive inheritance.
Comment: Potent mutations in WFS1 gene are associated with Wolfram's syndrome, an autosomal recessive condition, which cause diabetes mellitus, diabetes insipidus, deafness and optic atrophy. However no sufficient evidence is found to ascertain the role of this particular variant rs573775230 in Wolfram's syndrome yet.

Literature cited by the submitters: PubMed 20738327 (cited by Clinical Genomics, Uppaluri K&H Personalized Medicine Clinic); PubMed 33879153 (cited by Clinical Genomics, Uppaluri K&H Personalized Medicine Clinic); PubMed 12955714 (cited by Clinical Genomics, Uppaluri K&H Personalized Medicine Clinic); PubMed 18060660 (cited by Clinical Genomics, Uppaluri K&H Personalized Medicine Clinic); PubMed 20301750 (cited by Clinical Genomics, Uppaluri K&H Personalized Medicine Clinic); PubMed 17603484 (cited by Clinical Genomics, Uppaluri K&H Personalized Medicine Clinic).

NM_006005.3(WFS1):c.1507G>A (p.Val503Ile)

Gene: WFS1 (wolframin ER transmembrane glycoprotein; plus strand). Cytogenetic location: 4p16.1.
Variant type: single nucleotide variant.
Coding change: c.1507G>A on transcript NM_006005.3 (MANE Select); coding-DNA position 1507, G replaced by A.
Protein change: p.Val503Ile; replaces valine 503 with isoleucine.
Molecular consequence: missense variant.
Genome position (GRCh38, 1-based): chr4:6,301,302, G>A. VCF-style: chr4-6301302-G-A. GRCh37 (hg19) VCF-style: chr4-6303029-G-A.
Other names: c.1507G>A, p.Val503Ile (NM_001145853.1); short protein forms V503I.
Identifiers: ClinVar variation 215357 (VCV000215357.22), dbSNP rs573775230, ClinGen allele CA321920.